The following is an entry in ClinVar:

ClinVar aggregate classification (germline): Uncertain significance (1 of 4 stars; one submission).

Conditions:
Malignant hyperthermia, susceptibility to, 5 (MHS5). Also called: CACNA1S-Related Malignant Hyperthermia Susceptibility. Identifiers: Orphanet 423, MedGen C1866077, MONDO:0011163, OMIM 601887.

Submission:

All of Us Research Program, National Institutes of Health
Classification: Uncertain significance for Malignant hyperthermia, susceptibility to, 5. Last evaluated: 2023-08-28. Review status: criteria provided, single submitter. Criteria: ACMG Guidelines, 2015. Collection method: clinical testing. Allele origin: germline. Inheritance: Autosomal dominant inheritance. Observed: 1 variant allele, 1 heterozygote.
Comment: This missense variant replaces aspartic acid with valine at codon 360 of the CACNA1S protein. Computational prediction suggests that this variant may have deleterious impact on protein structure and function (internally defined REVEL score threshold >= 0.7, PMID: 27666373). To our knowledge, functional studies have not been reported for this variant. This variant has not been reported in individuals affected with CACNA1S-related disorders in the literature. This variant has not been identified in the general population by the Genome Aggregation Database (gnomAD). The available evidence is insufficient to determine the role of this variant in disease conclusively. Therefore, this variant is classified as a Variant of Uncertain Significance.

This study involves interpretation of variants in research participants for the purpose of population health screening. Participant phenotype was not available at the time of variant classification. Additional details can be found in publication PMID: 35346344, PMCID: PMC8962531

NM_000069.3(CACNA1S):c.1079A>T (p.Asp360Val)

Gene: CACNA1S (calcium voltage-gated channel subunit alpha1 S; minus strand). Cytogenetic location: 1q32.1.
Variant type: single nucleotide variant.
Coding change: c.1079A>T on transcript NM_000069.3 (MANE Select); coding-DNA position 1079, A replaced by T.
Protein change: p.Asp360Val; replaces aspartic acid 360 with valine.
Molecular consequence: missense variant.
Genome position (GRCh38, 1-based): chr1:201,085,507, T>A on the plus strand (A>T on the coding strand, the complement: CACNA1S is on the minus strand). VCF-style: chr1-201085507-T-A. GRCh37 (hg19) VCF-style: chr1-201054635-T-A.
Other names: short protein forms D360V.
Identifiers: ClinVar variation 3073273 (VCV003073273.1), dbSNP rs2464599185, ClinGen allele CA344129514.